The following is an entry in ClinVar:

NM_177438.3(DICER1):c.4102C>A (p.Arg1368Ser)

Gene: DICER1 (dicer 1, ribonuclease III; minus strand). Cytogenetic location: 14q32.13.
Variant type: single nucleotide variant.
Coding change: c.4102C>A on transcript NM_177438.3 (MANE Select); coding-DNA position 4102, C replaced by A.
Protein change: p.Arg1368Ser; replaces arginine 1368 with serine.
Molecular consequence: missense variant.
Genome position (GRCh38, 1-based): chr14:95,099,884, G>T on the plus strand (C>A on the coding strand, the complement: DICER1 is on the minus strand). VCF-style: chr14-95099884-G-T. GRCh37 (hg19) VCF-style: chr14-95566221-G-T.
Other names: c.4102C>A, p.Arg1368Ser (NM_001195573.1, NM_001271282.3, NM_001291628.2 and 1 more transcripts); short protein forms R1368S.
Identifiers: ClinVar variation 858452 (VCV000858452.11), dbSNP rs752740048, ClinGen allele CA390872129.

ClinVar aggregate classification (germline): Uncertain significance (1 of 4 stars; one submission).

Conditions:
DICER1-related tumor predisposition. Also called: DICER1 syndrome; DICER1-related pleuropulmonary blastoma cancer predisposition syndrome. Identifiers: Orphanet 284343, MedGen C3839822, MONDO:0100216.

Submission:

Labcorp Genetics (formerly Invitae), Labcorp
Classification: Uncertain significance for DICER1-related tumor predisposition. Last evaluated: 2019-11-20. Review status: criteria provided, single submitter. Criteria: Invitae Variant Classification Sherloc (09022015). Collection method: clinical testing. Allele origin: germline.
Comment: In summary, the available evidence is currently insufficient to determine the role of this variant in disease. Therefore, it has been classified as a Variant of Uncertain Significance. Algorithms developed to predict the effect of missense changes on protein structure and function are either unavailable or do not agree on the potential impact of this missense change (SIFT: "Tolerated"; PolyPhen-2: "Probably Damaging"; Align-GVGD: "Class C15"). This variant has not been reported in the literature in individuals with DICER1-related conditions. This variant is not present in population databases (ExAC no frequency). This sequence change replaces arginine with serine at codon 1368 of the DICER1 protein (p.Arg1368Ser). The arginine residue is highly conserved and there is a moderate physicochemical difference between arginine and serine.